The following is an entry in ClinVar:

ClinVar aggregate classification (germline): Likely benign. Review status: criteria provided, multiple submitters, no conflicts (2 of 4 stars). 2 submissions from 2 submitters: Likely benign (2). Last evaluated 2026-01-12.

Conditions:
Rafiq syndrome (RAFQS). Identifiers: Orphanet 88616, MedGen C3280127, MONDO:0013624, OMIM 614202.

Allele frequency attached by ClinVar (database versions not stated): ExAC 0.00005; gnomAD 0.00006; TOPMed 0.00008; 1000 Genomes Project 0.00020; 1000 Genomes Project 30x 0.00031.
gnomAD v4.1: 167 of 1,612,968 alleles (0.01%); highest among the groups gnomAD compares: Admixed American, 0.017%; 1 homozygote.

Submissions (2):

Labcorp Genetics (formerly Invitae), Labcorp
Classification: Likely benign for Rafiq syndrome. Last evaluated: 2026-01-12. Review status: criteria provided, single submitter. Criteria: Invitae Variant Classification Sherloc (09022015). Collection method: clinical testing. Allele origin: germline.

CeGaT Center for Human Genetics Tuebingen
Classification: Likely benign. Last evaluated: 2022-03-01. Review status: criteria provided, single submitter. Criteria: CeGaT Center For Human Genetics Tuebingen Variant Classification Criteria Version 2. Collection method: clinical testing. Allele origin: germline. Affected: yes. Observed: 1 variant allele.
Comment: MAN1B1: BP4, BP7

NM_016219.5(MAN1B1):c.1299G>C (p.Gly433=)

Gene: MAN1B1 (mannosidase alpha class 1B member 1; plus strand). Cytogenetic location: 9q34.3.
Variant type: single nucleotide variant.
Coding change: c.1299G>C on transcript NM_016219.5 (MANE Select); coding-DNA position 1299, G replaced by C.
Protein change: p.Gly433=; no amino-acid change (glycine 433 retained).
Molecular consequence: synonymous variant. On other transcripts: non-coding transcript variant (2).
Genome position (GRCh38, 1-based): chr9:137,106,169, G>C. VCF-style: chr9-137106169-G-C. GRCh37 (hg19) VCF-style: chr9-140000621-G-C.
Identifiers: ClinVar variation 737144 (VCV000737144.31), dbSNP rs201942029, ClinGen allele CA5359179.
Genomic context (GRCh38, chr9:137,106,169, plus strand): 5'-CCCCTTTCTGCCGCAGGAGGCAGTGGAGAAGGTGACACAGCACATCCACGGCCTGTCTGG[G>C]AAGAAGGATGGGCTGGTGCCCATGTTCATCAATACCCACAGTGGCCTCTTCACCCACCTG-3'
Protein context (NP_057303.2, residues 423-443): KVTQHIHGLS[Gly433=]KKDGLVPMFI